The following is an entry in ClinVar:

NM_001278716.2(FBXL4):c.858+5G>C

Gene: FBXL4 (F-box and leucine rich repeat protein 4; minus strand). Cytogenetic location: 6q16.2.
Variant type: single nucleotide variant.
Coding change: c.858+5G>C on transcript NM_001278716.2 (MANE Select); 5 bases into the intron after coding-DNA position 858, G replaced by C.
Molecular consequence: intron variant.
Genome position (GRCh38, 1-based): chr6:98,917,369, C>G on the plus strand (G>C on the coding strand, the complement: FBXL4 is on the minus strand). VCF-style: chr6-98917369-C-G. GRCh37 (hg19) VCF-style: chr6-99365245-C-G.
Other names: c.858+5G>C (NM_012160.5).
Identifiers: ClinVar variation 437501 (VCV000437501.1), dbSNP rs1257765682, ClinGen allele CA16021031.

ClinVar aggregate classification (germline): Likely pathogenic (1 of 4 stars; one submission).

Conditions:
Mitochondrial DNA depletion syndrome 13. Also called: FBXL4-Related Encephalomyopathic Mitochondrial DNA Depletion Syndrome; Mitochondrial DNA depletion syndrome 13 (encephalomyopathic type). Identifiers: Orphanet 369897, MedGen C3809592, MONDO:0014198, OMIM 615471.

Allele frequency attached by ClinVar (database versions not stated): TOPMed below 0.00001; gnomAD 0.00001.
gnomAD v4.1: 1 of 1,578,868 alleles (0.000063%); highest among the groups gnomAD compares: Non-Finnish European, 0.000086%; no homozygotes.

Submission:

Wong Mito Lab, Molecular and Human Genetics, Baylor College of Medicine
Classification: Likely pathogenic for Mitochondrial DNA depletion syndrome 13. Last evaluated: 2017-08-10. Review status: criteria provided, single submitter. Criteria: ACMG Guidelines, 2015. Collection method: clinical testing. Allele origin: germline. Affected: yes.
Comment: The NM_012160.4:c.858+5G>C (NP_036292.2:p.=) [GRCH38: NC_000006.12:g.98917369C>G] variant in FBXL4 gene is interpretated to be a Likely Pathogenic based on ACMG guidelines (PMID: 25741868). This variant has been reported in PMID:27290639 . This variant meets one or more of the following evidence codes reported in the ACMG-guideline. PM2:This variant is absent in key population databases. PM3:Detected in trans with a pathogenic variant for Mitochondrial DNA depletion syndrome 13 which is a recessive disorder. PP4:Patientâ€™s phenotype or family history is highly specific for FBXL4. PP5:Reputable source(s) suggest that the variant is pathogenic. Based on this evidence code ClinGen Pathogenicity Calculator (PMID:28081714) suggested that the variant is Likely Pathogenic.

Literature cited by the submitters: PubMed 27290639.